The following is an entry in ClinVar:

ClinVar aggregate classification (germline): Uncertain significance (1 of 4 stars; one submission).

Conditions:
Intellectual developmental disorder, autosomal recessive 71. Also called: MENTAL RETARDATION, AUTOSOMAL RECESSIVE 71. Identifiers: MedGen C5193133, MONDO:0032789, OMIM 618504.

gnomAD v4.1: 1 of 1,551,734 alleles (0.000064%); highest among the groups gnomAD compares: Non-Finnish European, 0.000087%; no homozygotes.

Submission:

3billion
Classification: Uncertain significance for Intellectual developmental disorder, autosomal recessive 71. Last evaluated: 2025-07-16. Review status: criteria provided, single submitter. Criteria: ACMG Guidelines, 2015. Collection method: clinical testing. Allele origin: germline. Affected: yes.
Comment: The variant is observed at an extremely low frequency in the gnomAD v4.1.0 dataset (total allele frequency: <0.001%). Predicted Consequence/Location: Missense variant. The majority of the known disease-causing variants of this gene are variants expected to result in premature termination of the protein. In silico tool predictions suggest damaging effect of the variant on gene or gene product [REVEL: 0.60 (>=0.6, sensitivity 0.68 and specificity 0.92)]. Different missense changes at the same codon have been reported as of uncertain significance (ClinVar ID: VCV003286965). Therefore, this variant is classified as VUS according to the recommendation of ACMG/AMP guideline.

NM_138775.3(ALKBH8):c.1123G>T (p.Val375Phe)

Gene: ALKBH8 (alkB homolog 8, tRNA methyltransferase; minus strand). Cytogenetic location: 11q22.3.
Variant type: single nucleotide variant.
Coding change: c.1123G>T on transcript NM_138775.3 (MANE Select); coding-DNA position 1123, G replaced by T.
Protein change: p.Val375Phe; replaces valine 375 with phenylalanine.
Molecular consequence: missense variant. On other transcripts: non-coding transcript variant (5).
Genome position (GRCh38, 1-based): chr11:107,522,463, C>A on the plus strand (G>T on the coding strand, the complement: ALKBH8 is on the minus strand). VCF-style: chr11-107522463-C-A. GRCh37 (hg19) VCF-style: chr11-107393189-C-A.
Other names: c.1123G>T, p.Val375Phe (NM_001301010.3, NM_001378133.1); short protein forms V375F.
Identifiers: ClinVar variation 4854332 (VCV004854332.1).